The following is an entry in ClinVar:

NM_006939.4(SOS2):c.1721G>A (p.Arg574His)

Gene: SOS2 (SOS Ras/Rho guanine nucleotide exchange factor 2; minus strand). Cytogenetic location: 14q21.3.
Variant type: single nucleotide variant.
Coding change: c.1721G>A on transcript NM_006939.4 (MANE Select); coding-DNA position 1721, G replaced by A.
Protein change: p.Arg574His; replaces arginine 574 with histidine.
Molecular consequence: missense variant.
Genome position (GRCh38, 1-based): chr14:50,159,562, C>T on the plus strand (G>A on the coding strand, the complement: SOS2 is on the minus strand). VCF-style: chr14-50159562-C-T. GRCh37 (hg19) VCF-style: chr14-50626280-C-T.
Other names: c.1622G>A, p.Arg541His (NM_001411020.1); short protein forms R541H, R574H.
Identifiers: ClinVar variation 2468841 (VCV002468841.6), dbSNP rs967513997, ClinGen allele CA260736011.

ClinVar aggregate classification (germline): Uncertain significance. Review status: criteria provided, multiple submitters, no conflicts (2 of 4 stars). 2 submissions from 2 submitters: Uncertain significance (2). Last evaluated 2024-06-24.

Conditions:
Noonan syndrome 9 (NS9). Identifiers: Orphanet 648, MedGen C4225282, MONDO:0014691, OMIM 616559.
Cardiovascular phenotype. Identifiers: MedGen CN230736.

Allele frequency attached by ClinVar (database versions not stated): gnomAD 0.00001; gnomAD exomes 0.00001; TOPMed 0.00002.
gnomAD v4.1: 18 of 1,613,784 alleles (0.0011%); highest among the groups gnomAD compares: Non-Finnish European, 0.0014%; no homozygotes.

Submissions (2):

Ambry Genetics
Classification: Uncertain significance for Cardiovascular phenotype. Last evaluated: 2024-06-24. Review status: criteria provided, single submitter. Criteria: Ambry Variant Classification Scheme 2023. Collection method: clinical testing. Allele origin: germline.
Comment: The p.R574H variant (also known as c.1721G>A), located in coding exon 10 of the SOS2 gene, results from a G to A substitution at nucleotide position 1721. The arginine at codon 574 is replaced by histidine, an amino acid with highly similar properties. This amino acid position is conserved. In addition, this alteration is predicted to be tolerated by in silico analysis. Based on the available evidence, the clinical significance of this variant remains unclear.

Labcorp Genetics (formerly Invitae), Labcorp
Classification: Uncertain significance for Noonan syndrome 9. Last evaluated: 2023-08-28. Review status: criteria provided, single submitter. Criteria: Invitae Variant Classification Sherloc (09022015). Collection method: clinical testing. Allele origin: germline.
Comment: In summary, the available evidence is currently insufficient to determine the role of this variant in disease. Therefore, it has been classified as a Variant of Uncertain Significance. Advanced modeling of protein sequence and biophysical properties (such as structural, functional, and spatial information, amino acid conservation, physicochemical variation, residue mobility, and thermodynamic stability) performed at Invitae indicates that this missense variant is expected to disrupt SOS2 protein function. ClinVar contains an entry for this variant (Variation ID: 2468841). This variant has not been reported in the literature in individuals affected with SOS2-related conditions. This variant is present in population databases (no rsID available, gnomAD 0.002%). This sequence change replaces arginine, which is basic and polar, with histidine, which is basic and polar, at codon 574 of the SOS2 protein (p.Arg574His).